The following is an entry in ClinVar:

NM_001035.3(RYR2):c.13564-7G>A

Gene: RYR2 (ryanodine receptor 2; plus strand). Cytogenetic location: 1q43.
Variant type: single nucleotide variant.
Coding change: c.13564-7G>A on transcript NM_001035.3 (MANE Select); 7 bases into the intron before coding-DNA position 13564, G replaced by A.
Molecular consequence: intron variant.
Genome position (GRCh38, 1-based): chr1:237,792,098, G>A. VCF-style: chr1-237792098-G-A. GRCh37 (hg19) VCF-style: chr1-237955398-G-A.
Identifiers: ClinVar variation 4758023 (VCV004758023.1).

ClinVar aggregate classification (germline): Uncertain significance (1 of 4 stars; one submission).

Conditions:
Cardiomyopathy (CMYO). Also called: Cardiomyopathies. Identifiers: Orphanet 167848, MedGen C0878544, MONDO:0004994, HP:0001638. Inheritance: Various modes of inheritance.

Submission:

Color Diagnostics, LLC DBA Color Health
Classification: Uncertain significance for Cardiomyopathy. Last evaluated: 2025-09-03. Review status: criteria provided, single submitter. Criteria: ACMG Guidelines, 2015. Collection method: clinical testing. Allele origin: germline.
Comment: This variant causes a G to A nucleotide substitution at the -7 position of intron 93 of the RYR2 gene. To our knowledge, functional studies have not been reported for this variant. This variant has not been reported in individuals affected with RYR2-related disorders in the literature. This variant has not been identified in the general population by the Genome Aggregation Database (gnomAD). The available evidence is insufficient to determine the role of this variant in disease conclusively. Therefore, this variant is classified as a Variant of Uncertain Significance.